The following is an entry in ClinVar:

ClinVar aggregate classification (germline): Uncertain significance (1 of 4 stars; one submission).

Conditions:
Developmental and epileptic encephalopathy, 87. Also called: EPILEPTIC ENCEPHALOPATHY, EARLY INFANTILE, 87. Identifiers: MedGen C5394501, MONDO:0030059, OMIM 618916.

Submission:

Clinical Genomic Analysis (GENYSIS) Core, University of North Carolina at Chapel Hill
Classification: Uncertain significance for Developmental and epileptic encephalopathy, 87. Last evaluated: 2024-11-19. Review status: criteria provided, single submitter. Criteria: ACMG Guidelines, 2015. Collection method: research. Allele origin: unknown. Observed: 1 heterozygote. Study: UNC Genetic Determinants of Neurological and Developmental Disorders (GDNDD) Study.
Comment: CDK19 c.264C>A, p.(His88Gln), is a missense variant that changes a single amino acid from a histidine to a glutamine. This variant has not previously been reported in ClinVar and is not present in control individuals in the gnomADv4.0 population database. The histidine amino acid is highly conserved but does not reside within the ATP binding domain or activation segment where most pathogenic variants have been identified. In addition, in silico pathogenicity prediction models are conflicting. Given the available evidence, this variant is classified as a variant of uncertain significance.

NM_015076.5(CDK19):c.264C>A (p.His88Gln)

Gene: CDK19 (cyclin dependent kinase 19; minus strand). Cytogenetic location: 6q21.
Variant type: single nucleotide variant.
Coding change: c.264C>A on transcript NM_015076.5 (MANE Select); coding-DNA position 264, C replaced by A.
Protein change: p.His88Gln; replaces histidine 88 with glutamine.
Molecular consequence: missense variant.
Genome position (GRCh38, 1-based): chr6:110,670,482, G>T on the plus strand (C>A on the coding strand, the complement: CDK19 is on the minus strand). VCF-style: chr6-110670482-G-T. GRCh37 (hg19) VCF-style: chr6-110991685-G-T.
Other names: c.264C>A, p.His88Gln (NM_001300960.2); c.84C>A, p.His28Gln (NM_001300963.2, NM_001300964.2); short protein forms H28Q, H88Q.
Identifiers: ClinVar variation 3896727 (VCV003896727.2).